The following is an entry in ClinVar:

NM_130384.3(ATRIP):c.1660G>A (p.Gly554Ser)

Genes: ATRIP (ATR interacting protein; plus strand), ATRIP-TREX1 (ATRIP-TREX1 readthrough; plus strand). Cytogenetic location: 3p21.31.
Variant type: single nucleotide variant.
Coding change: c.1660G>A on transcript NM_130384.3 (MANE Select); coding-DNA position 1660, G replaced by A.
Protein change: p.Gly554Ser; replaces glycine 554 with serine.
Molecular consequence: missense variant. On other transcripts: non-coding transcript variant (1).
Genome position (GRCh38, 1-based): chr3:48,460,714, G>A. VCF-style: chr3-48460714-G-A. GRCh37 (hg19) VCF-style: chr3-48502113-G-A.
Other names: c.1279G>A, p.Gly427Ser (NM_001271022.2); c.1381G>A, p.Gly461Ser (NM_001271023.2); c.1660G>A, p.Gly554Ser (NM_032166.4); short protein forms G427S, G554S, G461S.
Identifiers: ClinVar variation 4644611 (VCV004644611.1).

ClinVar aggregate classification (germline): Uncertain significance (1 of 4 stars; one submission).

Submission:

Ambry Genetics
Classification: Uncertain significance. Last evaluated: 2025-12-10. Review status: criteria provided, single submitter. Criteria: Ambry Variant Classification Scheme 2023. Collection method: clinical testing. Allele origin: germline.
Comment: The p.G554S variant (also known as c.1660G>A), located in coding exon 8 of the ATRIP gene, results from a G to A substitution at nucleotide position 1660. The glycine at codon 554 is replaced by serine, an amino acid with similar properties. This amino acid position is conserved. In addition, this alteration is predicted to be tolerated by in silico analysis. Based on the available evidence, the clinical significance of this variant remains unclear.